The following is an entry in ClinVar:

NM_004006.3(DMD):c.9164-2A>T

Gene: DMD (dystrophin; minus strand). Cytogenetic location: Xp21.2.
Variant type: single nucleotide variant.
Coding change: c.9164-2A>T on transcript NM_004006.3 (MANE Select); the canonical splice acceptor site of the intron before coding-DNA position 9164, A replaced by T.
Molecular consequence: splice acceptor variant.
Genome position (GRCh38, 1-based): chrX:31,323,660, T>A on the plus strand (A>T on the coding strand, the complement: DMD is on the minus strand). VCF-style: chrX-31323660-T-A. GRCh37 (hg19) VCF-style: chrX-31341777-T-A.
Other names: c.9140-2A>T (NM_000109.4); c.5141-2A>T (NM_004011.4); c.5132-2A>T (NM_004012.4); c.1784-2A>T (NM_004023.3, NM_004020.4, NM_004022.3 and 2 more transcripts); c.977-2A>T (NM_004014.3); c.9152-2A>T (NM_004009.3); c.8795-2A>T (NM_004010.3).
Identifiers: ClinVar variation 3650433 (VCV003650433.2).

ClinVar aggregate classification (germline): Pathogenic (1 of 4 stars; one submission).

Conditions:
Duchenne muscular dystrophy (DMD). Also called: MUSCULAR DYSTROPHY, PSEUDOHYPERTROPHIC PROGRESSIVE, DUCHENNE TYPE; Duchenne Muscular Dystrophy (DMD). Identifiers: Orphanet 98896, MedGen C0013264, MONDO:0010679, OMIM 310200.

Submission:

Labcorp Genetics (formerly Invitae), Labcorp
Classification: Pathogenic for Duchenne muscular dystrophy. Last evaluated: 2024-04-19. Review status: criteria provided, single submitter. Criteria: Invitae Variant Classification Sherloc (09022015). Collection method: clinical testing. Allele origin: germline.
Comment: This sequence change affects an acceptor splice site in intron 61 of the DMD gene. It is expected to disrupt RNA splicing. Variants that disrupt the donor or acceptor splice site typically lead to a loss of protein function (PMID: 16199547), and loss-of-function variants in DMD are known to be pathogenic (PMID: 16770791, 25007885). This variant is not present in population databases (gnomAD no frequency). Disruption of this splice site has been observed in individual(s) with Duchenne muscular dystrophy (PMID: 28859693). Algorithms developed to predict the effect of sequence changes on RNA splicing suggest that this variant may disrupt the consensus splice site. For these reasons, this variant has been classified as Pathogenic.

Literature cited by the submitters: PubMed 16199547; PubMed 16770791; PubMed 25007885; PubMed 28859693.